The following is an entry in ClinVar:

NM_031460.4(KCNK17):c.262G>A (p.Gly88Arg)

Gene: KCNK17 (potassium two pore domain channel subfamily K member 17; minus strand). Cytogenetic location: 6p21.2.
Variant type: single nucleotide variant.
Coding change: c.262G>A on transcript NM_031460.4 (MANE Select); coding-DNA position 262, G replaced by A.
Protein change: p.Gly88Arg; replaces glycine 88 with arginine.
Molecular consequence: missense variant.
Genome position (GRCh38, 1-based): chr6:39,310,983, C>T on the plus strand (G>A on the coding strand, the complement: KCNK17 is on the minus strand). VCF-style: chr6-39310983-C-T. GRCh37 (hg19) VCF-style: chr6-39278759-C-T.
Other names: c.262G>A, p.Gly88Arg (NM_001135111.2); short protein forms G88R.
Identifiers: ClinVar variation 132903 (VCV000132903.2), dbSNP rs141016843, ClinGen allele CA233362.
Genomic context (GRCh38, chr6:39,310,983, plus strand): 5'-AGAAGGAGCCCACGAGCTCCCAGCGCCCCATGCTGGTGGTGTTGCTGAGGAGGCTGGCTC[C>T]GTTTTTGTATGCTTGGACGACATCCTGGGGAAGAGGCTGCAATGACCACCAGGCTCTGTG-3'
Protein context (NP_113648.2, residues 78-98): IRDVVQAYKN[Gly88Arg]ASLLSNTTSM

ClinVar aggregate classification (germline): Likely pathogenic (0 of 4 stars; one submission).

Allele frequency attached by ClinVar (database versions not stated): TOPMed 0.00001; ExAC 0.00002; gnomAD 0.00002; gnomAD exomes 0.00002 and 0.00003; ESP Exome Variant Server 0.00008.
gnomAD v4.1: 47 of 1,597,138 alleles (0.0029%); highest among the groups gnomAD compares: Non-Finnish European, 0.0037%; no homozygotes.

Submission:

Institute for Genetics of Heart Diseases,  University Hospital Muenster
Classification: Likely pathogenic. Review status: no assertion criteria provided. Collection method: not provided. Allele origin: unknown.
ClinVar note: Converted during submission from probable-pathogenic to Likely pathogenic.